The following is an entry in ClinVar:

ClinVar aggregate classification (germline): Uncertain significance. Review status: criteria provided, multiple submitters, no conflicts (2 of 4 stars). 2 submissions from 2 submitters: Uncertain significance (2). Last evaluated 2026-07-30.

Conditions:
Hereditary cancer-predisposing syndrome. Also called: Hereditary Cancer Syndrome; Hereditary neoplastic syndrome; Neoplastic Syndromes, Hereditary; Tumor predisposition. Identifiers: Orphanet 140162, MedGen C0027672, MeSH D009386, MONDO:0015356.

Submissions (2):

Ambry Genetics
Classification: Uncertain significance for Hereditary cancer-predisposing syndrome. Last evaluated: 2026-07-30. Review status: criteria provided, single submitter. Criteria: Ambry Variant Classification Scheme 2023. Collection method: clinical testing. Allele origin: germline.
Comment: The p.Q188* variant (also known as c.562C>T), located in coding exon 1 of the HOXB13 gene, results from a C to T substitution at nucleotide position 562. This changes the amino acid from a glutamine to a stop codon within coding exon 1. This variant occurs at the 3' terminus of the gene and is not expected to trigger nonsense-mediated mRNA decay. Based on the available evidence, the clinical significance of this variant remains unclear.

Labcorp Genetics (formerly Invitae), Labcorp
Classification: Uncertain significance. Last evaluated: 2022-10-26. Review status: criteria provided, single submitter. Criteria: Invitae Variant Classification Sherloc (09022015). Collection method: clinical testing. Allele origin: germline.
Comment: This variant is not present in population databases (gnomAD no frequency). This variant has not been reported in the literature in individuals affected with HOXB13-related conditions. Experimental studies and prediction algorithms are not available or were not evaluated, and the functional significance of this variant is currently unknown. In summary, the available evidence is currently insufficient to determine the role of this variant in disease. Therefore, it has been classified as a Variant of Uncertain Significance. This sequence change creates a premature translational stop signal (p.Gln188*) in the HOXB13 gene. While this is not anticipated to result in nonsense mediated decay, it is expected to disrupt the last 97 amino acid(s) of the HOXB13 protein.

NM_006361.6(HOXB13):c.562C>T (p.Gln188Ter)

Gene: HOXB13 (homeobox B13; minus strand). Cytogenetic location: 17q21.32.
Variant type: single nucleotide variant.
Coding change: c.562C>T on transcript NM_006361.6 (MANE Select); coding-DNA position 562, C replaced by T.
Protein change: p.Gln188Ter; replaces glutamine 188 with a stop codon.
Molecular consequence: nonsense.
Genome position (GRCh38, 1-based): chr17:48,728,032, G>A on the plus strand (C>T on the coding strand, the complement: HOXB13 is on the minus strand). VCF-style: chr17-48728032-G-A. GRCh37 (hg19) VCF-style: chr17-46805394-G-A.
Other names: short protein forms Q188*.
Identifiers: ClinVar variation 2809739 (VCV002809739.5), dbSNP rs1242831503, ClinGen allele CA400107178.